The following is an entry in ClinVar:

ClinVar aggregate classification (germline): Uncertain significance (1 of 4 stars; one submission).

gnomAD v4.1: 4 of 1,555,640 alleles (0.00026%); highest among the groups gnomAD compares: South Asian, 0.0024%; no homozygotes.

Submission:

GeneDx
Classification: Uncertain significance. Last evaluated: 2024-05-30. Review status: criteria provided, single submitter. Criteria: GeneDx Variant Classification Process June 2021. Collection method: clinical testing. Allele origin: germline. Affected: yes.
Comment: Not observed at significant frequency in large population cohorts (gnomAD); In silico analysis supports that this missense variant has a deleterious effect on protein structure/function; Has not been previously published as pathogenic or benign to our knowledge

NM_001080414.4(CCDC88C):c.3787T>C (p.Phe1263Leu)

Gene: CCDC88C (coiled-coil domain containing 88C; minus strand). Cytogenetic location: 14q32.11.
Variant type: single nucleotide variant.
Coding change: c.3787T>C on transcript NM_001080414.4 (MANE Select); coding-DNA position 3787, T replaced by C.
Protein change: p.Phe1263Leu; replaces phenylalanine 1263 with leucine.
Molecular consequence: missense variant. On other transcripts: non-coding transcript variant (2).
Genome position (GRCh38, 1-based): chr14:91,297,484, A>G on the plus strand (T>C on the coding strand, the complement: CCDC88C is on the minus strand). VCF-style: chr14-91297484-A-G. GRCh37 (hg19) VCF-style: chr14-91763828-A-G.
Other names: short protein forms F1263L.
Identifiers: ClinVar variation 3383713 (VCV003383713.1).